The following is an entry in ClinVar:

ClinVar aggregate classification (germline): Pathogenic. Review status: criteria provided, single submitter (1 of 4 stars). 2 submissions from 2 submitters: Pathogenic (1). 1 of the submissions does not count toward it. Last evaluated 2024-06-26.

Conditions:
Cohen syndrome (COH1). Also called: PEPPER SYNDROME; Cutis verticis gyrata, retinitis pigmentosa, and sensorineural deafness. Identifiers: Orphanet 193, MedGen C0265223, MONDO:0008999, OMIM 216550.
Microcephaly. Also called: Microcephaly (disease). Identifiers: MedGen C4551563, MONDO:0001149, HP:0000252.

Submissions (2):

Labcorp Genetics (formerly Invitae), Labcorp
Classification: Pathogenic for Cohen syndrome. Last evaluated: 2024-06-26. Review status: criteria provided, single submitter. Criteria: Invitae Variant Classification Sherloc (09022015). Collection method: clinical testing. Allele origin: germline.
Comment: This sequence change creates a premature translational stop signal (p.Cys650*) in the VPS13B gene. It is expected to result in an absent or disrupted protein product. Loss-of-function variants in VPS13B are known to be pathogenic (PMID: 15141358, 16648375, 20461111). This variant is not present in population databases (gnomAD no frequency). This premature translational stop signal has been observed in individual(s) with Cohen syndrome (PMID: 33584783). ClinVar contains an entry for this variant (Variation ID: 813526). For these reasons, this variant has been classified as Pathogenic.

Department of Pediatrics, Samsung Medical Center, Samsung Medical Center
Classification: Likely pathogenic for Microcephaly. Review status: no assertion criteria provided. Criteria: ACMG Guidelines, 2015. Collection method: research. Allele origin: paternal. Affected: yes. Not counted in ClinVar's aggregate classification.

Literature cited by the submitters: PubMed 15141358 (cited by Labcorp Genetics (formerly Invitae), Labcorp); PubMed 16648375 (cited by Labcorp Genetics (formerly Invitae), Labcorp); PubMed 20461111 (cited by Labcorp Genetics (formerly Invitae), Labcorp); PubMed 33584783 (cited by Labcorp Genetics (formerly Invitae), Labcorp).

NM_152564.5(VPS13B):c.1950C>A (p.Cys650Ter)

Gene: VPS13B (vacuolar protein sorting 13 homolog B; plus strand). Cytogenetic location: 8q22.2.
Variant type: single nucleotide variant.
Coding change: c.1950C>A on transcript NM_152564.5 (MANE Select); coding-DNA position 1950, C replaced by A.
Protein change: p.Cys650Ter; replaces cysteine 650 with a stop codon.
Molecular consequence: nonsense.
Genome position (GRCh38, 1-based): chr8:99,147,947, C>A. VCF-style: chr8-99147947-C-A. GRCh37 (hg19) VCF-style: chr8-100160175-C-A.
Other names: c.1950C>A, p.Cys650Ter (NM_015243.3, NM_017890.5); short protein forms C650*.
Identifiers: ClinVar variation 813526 (VCV000813526.3), dbSNP rs1810830776, ClinGen allele CA371864450.